The following is an entry in ClinVar:

NM_145239.3(PRRT2):c.455C>A (p.Pro152His)

Genes: MVP-DT (MVP divergent transcript; minus strand), PRRT2 (proline rich transmembrane protein 2; plus strand). Cytogenetic location: 16p11.2.
Variant type: single nucleotide variant.
Coding change: c.455C>A on transcript NM_145239.3 (MANE Select); coding-DNA position 455, C replaced by A.
Protein change: p.Pro152His; replaces proline 152 with histidine.
Molecular consequence: missense variant.
Genome position (GRCh38, 1-based): chr16:29,813,509, C>A. VCF-style: chr16-29813509-C-A. GRCh37 (hg19) VCF-style: chr16-29824830-C-A.
Other names: c.455C>A, p.Pro152His (NM_001256442.2, NM_001256443.2); short protein forms P152H.
Identifiers: ClinVar variation 373401 (VCV000373401.11), dbSNP rs760278435, ClinGen allele CA16042942.

ClinVar aggregate classification (germline): Uncertain significance. Review status: criteria provided, multiple submitters, no conflicts (2 of 4 stars). 2 submissions from 2 submitters: Uncertain significance (2). Last evaluated 2025-02-02.

Conditions:
Episodic kinesigenic dyskinesia (EKD). Also called: Paroxysmal kinesigenic dyskinesia. Identifiers: Orphanet 98809, MedGen C1868682, MONDO:0044202.

Allele frequency attached by ClinVar (database versions not stated): gnomAD 0.00001; TOPMed 0.00003.

Submissions (2):

Labcorp Genetics (formerly Invitae), Labcorp
Classification: Uncertain significance for Episodic kinesigenic dyskinesia. Last evaluated: 2025-02-02. Review status: criteria provided, single submitter. Criteria: Invitae Variant Classification Sherloc (09022015). Collection method: clinical testing. Allele origin: germline.
Comment: This sequence change replaces proline, which is neutral and non-polar, with histidine, which is basic and polar, at codon 152 of the PRRT2 protein (p.Pro152His). This variant is present in population databases (no rsID available, gnomAD 0.007%). This variant has not been reported in the literature in individuals affected with PRRT2-related conditions. ClinVar contains an entry for this variant (Variation ID: 373401). Invitae Evidence Modeling of protein sequence and biophysical properties (such as structural, functional, and spatial information, amino acid conservation, physicochemical variation, residue mobility, and thermodynamic stability) indicates that this missense variant is not expected to disrupt PRRT2 protein function with a negative predictive value of 95%. In summary, the available evidence is currently insufficient to determine the role of this variant in disease. Therefore, it has been classified as a Variant of Uncertain Significance.

GeneDx
Classification: Uncertain significance. Last evaluated: 2016-12-05. Review status: criteria provided, single submitter. Criteria: GeneDx Variant Classification (06012015). Collection method: clinical testing. Allele origin: germline. Affected: yes.
Comment: The P152H variant in the PRRT2 gene has not been reported previously as a pathogenic variant, nor as a benign variant, to our knowledge. The P152H variant was not observed in approximately 6500 individuals of European and African American ancestry in the NHLBI Exome Sequencing Project, indicating it is not a common benign variant in these populations. The P152H variant is a non-conservative amino acid substitution, which is likely to impact secondary protein structure as these residues differ in polarity, charge, size and/or other properties. This substitution occurs at a position that is not conserved. In silico analysis is inconsistent in its predictions as to whether or not the variant is damaging to the protein structure/function. We interpret P152H as a variant of uncertain significance.